The following is an entry in ClinVar:

NM_199242.3(UNC13D):c.389G>A (p.Gly130Glu)

Gene: UNC13D (unc-13 homolog D; minus strand). Cytogenetic location: 17q25.1.
Variant type: single nucleotide variant.
Coding change: c.389G>A on transcript NM_199242.3 (MANE Select); coding-DNA position 389, G replaced by A.
Protein change: p.Gly130Glu; replaces glycine 130 with glutamic acid.
Molecular consequence: missense variant.
Genome position (GRCh38, 1-based): chr17:75,842,613, C>T on the plus strand (G>A on the coding strand, the complement: UNC13D is on the minus strand). VCF-style: chr17-75842613-C-T. GRCh37 (hg19) VCF-style: chr17-73838694-C-T.
Other names: short protein forms G130E.
Identifiers: ClinVar variation 1956672 (VCV001956672.5), dbSNP rs747840374, ClinGen allele CA8773489.

ClinVar aggregate classification (germline): Uncertain significance. Review status: criteria provided, multiple submitters, no conflicts (2 of 4 stars). 2 submissions from 2 submitters: Uncertain significance (2). Last evaluated 2025-10-06.

Conditions:
Familial hemophagocytic lymphohistiocytosis 3 (FHL3). Also called: UNC13D-Related Familial Hemophagocytic Lymphohistiocytosis (UNC13D-fHLH). Identifiers: Orphanet 540, MedGen C1837174, MONDO:0012146, OMIM 608898.
Inborn genetic diseases. Identifiers: MedGen C0950123, MeSH D030342.

Allele frequency attached by ClinVar (database versions not stated): ExAC 0.00001; gnomAD 0.00001; gnomAD exomes 0.00001; TOPMed 0.00001.
gnomAD v4.1: 6 of 1,611,390 alleles (0.00037%); no homozygotes.

Submissions (2):

Labcorp Genetics (formerly Invitae), Labcorp
Classification: Uncertain significance for Familial hemophagocytic lymphohistiocytosis 3. Last evaluated: 2025-10-06. Review status: criteria provided, single submitter. Criteria: Invitae Variant Classification Sherloc (09022015). Collection method: clinical testing. Allele origin: germline.
Comment: This sequence change replaces glycine, which is neutral and non-polar, with glutamic acid, which is acidic and polar, at codon 130 of the UNC13D protein (p.Gly130Glu). This variant is present in population databases (rs747840374, gnomAD 0.03%). This variant has not been reported in the literature in individuals affected with UNC13D-related conditions. ClinVar contains an entry for this variant (Variation ID: 1956672). An algorithm developed to predict the effect of missense changes on protein structure and function (PolyPhen-2) suggests that this variant is likely to be disruptive. In summary, the available evidence is currently insufficient to determine the role of this variant in disease. Therefore, it has been classified as a Variant of Uncertain Significance.

Ambry Genetics
Classification: Uncertain significance for Inborn genetic diseases. Last evaluated: 2023-03-01. Review status: criteria provided, single submitter. Criteria: Ambry Variant Classification Scheme 2023. Collection method: clinical testing. Allele origin: germline.